The following is an entry in ClinVar:

NM_001009944.3(PKD1):c.8162-2A>G

Gene: PKD1 (polycystin 1, transient receptor potential channel interacting; minus strand). Cytogenetic location: 16p13.3.
Variant type: single nucleotide variant.
Coding change: c.8162-2A>G on transcript NM_001009944.3 (MANE Select); the canonical splice acceptor site of the intron before coding-DNA position 8162, A replaced by G.
Molecular consequence: splice acceptor variant.
Genome position (GRCh38, 1-based): chr16:2,103,897, T>C on the plus strand (A>G on the coding strand, the complement: PKD1 is on the minus strand). VCF-style: chr16-2103897-T-C. GRCh37 (hg19) VCF-style: chr16-2153898-T-C.
Other names: c.8162-2A>G (NM_000296.4).
Identifiers: ClinVar variation 972682 (VCV000972682.3), dbSNP rs2092209753, ClinGen allele CA394365277.
Genomic context (GRCh38, chr16:2,103,897, plus strand): 5'-TCCCAGCTCTGAGGGCTGTGGTGCCCGCACGTCCGAGCTGGCCAGGTGGATGAGGTCTCC[T>C]GCAGACATGCGTGAGGTCAGTGCAGAGACAGGGAGGTAGAGGGAGGGTGGGGGCAGGCAA-3'

ClinVar aggregate classification (germline): Pathogenic/Likely pathogenic. Review status: criteria provided, multiple submitters, no conflicts (2 of 4 stars). 3 submissions from 3 submitters: Pathogenic (2); Likely pathogenic (1). Last evaluated 2025-12-18.

Conditions:
PKD1-related disorder. Also called: PKD1-related condition.
Polycystic kidney disease, adult type (PKD1). Also called: Polycystic Kidney, Autosomal Dominant; Polycystic Kidney Disease 1, Autosomal Dominant; Polycystic kidney disease 1; Polycystic kidney disease 1, severe; POLYCYSTIC KIDNEY DISEASE 1 WITH OR WITHOUT POLYCYSTIC LIVER DISEASE; POLYCYSTIC KIDNEY DISEASE, ADULT, TYPE I. Identifiers: MedGen C3149841, MONDO:0008263, OMIM 173900.

Submissions (3):

PreventionGenetics, part of Exact Sciences
Classification: Pathogenic for PKD1-related condition. Last evaluated: 2025-12-18. Review status: criteria provided, single submitter. Criteria: ACMG Guidelines, 2015. Collection method: clinical testing. Allele origin: germline.
Comment: The PKD1 c.8162-2A>G variant is predicted to disrupt the AG splice acceptor site and interfere with normal splicing. This variant has been reported in individuals with autosomal dominant polycystic kidney disease (ADPKD) (Supplementary Data, Doreille et al. 2023. PubMed ID: 36938085; Topak et al. 2023. PubMed ID: 37078890). Variants that disrupt the consensus splice acceptor site in PKD1 are expected to be pathogenic. Of note, a different canonical splice variant affecting the same AG splice acceptor site, defined as c.8162-1G>A, has been reported to be pathogenic for autosomal dominant polycystic kidney disease (ADPKD) (see for example, Suppl. Table S3 of Carrera et al. 2016. PubMed ID: 27499327). The c.8162-2A>G variant has not been reported in a large population database (gnomAD), indicating this variant is rare. This variant is interpreted as pathogenic.

Department of Human Genetics, Hannover Medical School
Classification: Likely pathogenic for Polycystic kidney disease, adult type. Last evaluated: 2025-11-05. Review status: criteria provided, single submitter. Criteria: ACMG Guidelines, 2015. Collection method: clinical testing. Allele origin: germline. Affected: yes.
Comment: PVS1_Moderate, PM2_Supporting, PP4_Strong

MVZ Martinsried, Medicover Genetics
Classification: Pathogenic for Polycystic kidney disease, adult type. Last evaluated: 2020-01-17. Review status: criteria provided, single submitter. Criteria: ACMG Guidelines, 2015. Collection method: clinical testing. Allele origin: unknown. Affected: yes.